The following is an entry in ClinVar:

ClinVar aggregate classification (germline): Uncertain significance (1 of 4 stars; one submission).

Conditions:
Pitt-Hopkins-like syndrome 2 (PTHSL2). Identifiers: Orphanet 221150, Orphanet 600663, MedGen C3280479, MONDO:0013690, OMIM 614325.

Allele frequency attached by ClinVar (database versions not stated): gnomAD exomes below 0.00001.
gnomAD v4.1: 4 of 1,614,090 alleles (0.00025%); highest among the groups gnomAD compares: Non-Finnish European, 0.00025%; no homozygotes.

Submission:

Labcorp Genetics (formerly Invitae), Labcorp
Classification: Uncertain significance for Pitt-Hopkins-like syndrome 2. Last evaluated: 2024-01-21. Review status: criteria provided, single submitter. Criteria: Invitae Variant Classification Sherloc (09022015). Collection method: clinical testing. Allele origin: germline.
Comment: This sequence change replaces arginine, which is basic and polar, with cysteine, which is neutral and slightly polar, at codon 1276 of the NRXN1 protein (p.Arg1276Cys). This variant is not present in population databases (gnomAD no frequency). This variant has not been reported in the literature in individuals affected with NRXN1-related conditions. Advanced modeling of protein sequence and biophysical properties (such as structural, functional, and spatial information, amino acid conservation, physicochemical variation, residue mobility, and thermodynamic stability) has been performed at Invitae for this missense variant, however the output from this modeling did not meet the statistical confidence thresholds required to predict the impact of this variant on NRXN1 protein function. In summary, the available evidence is currently insufficient to determine the role of this variant in disease. Therefore, it has been classified as a Variant of Uncertain Significance.

NM_001330078.2(NRXN1):c.3706C>T (p.Arg1236Cys)

Gene: NRXN1 (neurexin 1; minus strand). Cytogenetic location: 2p16.3.
Variant type: single nucleotide variant.
Coding change: c.3706C>T on transcript NM_001330078.2 (MANE Select); coding-DNA position 3706, C replaced by T.
Protein change: p.Arg1236Cys; replaces arginine 1236 with cysteine.
Molecular consequence: missense variant.
Genome position (GRCh38, 1-based): chr2:50,091,335, G>A on the plus strand (C>T on the coding strand, the complement: NRXN1 is on the minus strand). VCF-style: chr2-50091335-G-A. GRCh37 (hg19) VCF-style: chr2-50318473-G-A.
Other names: c.3826C>T, p.Arg1276Cys (NM_001135659.3); c.3682C>T, p.Arg1228Cys (NM_001330077.2, NM_001330082.2); c.3640C>T, p.Arg1214Cys (NM_001330083.2, NM_001330084.2); c.3679C>T, p.Arg1227Cys (NM_001330085.2); c.3706C>T, p.Arg1236Cys (NM_001330086.2, NM_004801.6); c.3595C>T, p.Arg1199Cys (NM_001330087.2, NM_001330096.2); c.3625C>T, p.Arg1209Cys (NM_001330088.2); c.601C>T, p.Arg201Cys (NM_001330091.2, NM_001330092.2, NM_001330097.2 and 1 more transcripts); and 3 more; short protein forms R1209C, R1214C, R1232C, R1236C, R1227C, R1235C, R1228C, R1276C.
Identifiers: ClinVar variation 2710551 (VCV002710551.3), dbSNP rs2468067696, ClinGen allele CA346818960.